The following is an entry in ClinVar:

ClinVar aggregate classification (germline): Benign (1 of 4 stars; one submission).

Allele frequency attached by ClinVar (database versions not stated): 1000 Genomes Project 30x 0.07370; 1000 Genomes Project 0.07508; TOPMed 0.13627.
gnomAD v4.1: 278,971 of 1,444,562 alleles (19%); highest among the groups gnomAD compares: Non-Finnish European, 22%; 30,022 homozygotes.

Submission:

Unidad de Genómica Garrahan, Hospital de Pediatría Garrahan
Classification: Benign. Last evaluated: 2024-01-24. Review status: criteria provided, single submitter. Criteria: ACMG Guidelines, 2015. Collection method: clinical testing. Allele origin: germline. Affected: no. Observed: 24 variant alleles.
Comment: This variant is classified as Benign based on local population frequency. This variant was detected in 25% of patients studied by a panel of primary immunodeficiencies. Number of patients: 24. Only high quality variants are reported.

NM_014339.7(IL17RA):c.943+103G>A

Gene: IL17RA (interleukin 17 receptor A; plus strand). Cytogenetic location: 22q11.1.
Variant type: single nucleotide variant.
Coding change: c.943+103G>A on transcript NM_014339.7 (MANE Select); 103 bases into the intron after coding-DNA position 943, G replaced by A.
Molecular consequence: intron variant.
Genome position (GRCh38, 1-based): chr22:17,105,705, G>A. VCF-style: chr22-17105705-G-A. GRCh37 (hg19) VCF-style: chr22-17586595-G-A.
Other names: c.943+103G>A (NM_001289905.2).
Identifiers: ClinVar variation 2688298 (VCV002688298.2), dbSNP rs34484815, ClinGen allele CA14933587.